The following is an entry in ClinVar:

ClinVar aggregate classification (germline): Pathogenic/Likely pathogenic. Review status: criteria provided, multiple submitters, no conflicts (2 of 4 stars). 4 submissions from 4 submitters: Pathogenic (2); Likely pathogenic (2). Last evaluated 2025-03-28.

Conditions:
Complex cortical dysplasia with other brain malformations 4. Identifiers: MedGen C3809420, MONDO:0014171, OMIM 615412.

Submissions (4):

3billion
Classification: Pathogenic for Complex cortical dysplasia with other brain malformations 4. Last evaluated: 2025-03-28. Review status: criteria provided, single submitter. Criteria: ACMG Guidelines, 2015. Collection method: clinical testing. Allele origin: germline. Affected: yes.

Broad Center for Mendelian Genomics, Broad Institute of MIT and Harvard
Classification: Likely pathogenic for Complex cortical dysplasia with other brain malformations 4. Last evaluated: 2024-05-21. Review status: criteria provided, single submitter. Criteria: ACMG Guidelines, 2015. Collection method: curation. Allele origin: germline. Inheritance: Autosomal dominant inheritance.
Comment: Trio exome analysis showed this variant to be de novo. The variant has also been reported de novo in one individual with microcephaly, intellectual disability, epilepsy and hypertonia (PMID: 31151415), but was absent from large population studies. This variant has been reported in ClinVar (Variation ID: 373145) and has been interpreted as likely pathogenic by GeneDx and pathogenic by University of Chicago Genetic Laboratory Service. Computational prediction tools and conservation analyses suggest that this variant may impact the protein, though this information is not predictive enough to determine pathogenicity. The number of missense variants reported in TUBG1 in the general population is lower than expected, suggesting there is little benign variation in this gene and slightly increasing the possibility that a missense variant in this gene may not be tolerated. In summary, although additional studies are required to fully establish its clinical significance, this variant is likely pathogenic for autosomal dominant cortical dysplasia, complex, with other brain malformations 4. ACMG/AMP Criteria applied: PS2, PM2_Supporting, PP3_Moderate, PP2 (Richards 2015).

Genetic Services Laboratory, University of Chicago
Classification: Pathogenic. Last evaluated: 2018-03-08. Review status: criteria provided, single submitter. Criteria: ACMG Guidelines, 2015. Collection method: clinical testing. Allele origin: germline. Affected: yes.

GeneDx
Classification: Likely pathogenic. Last evaluated: 2016-11-04. Review status: criteria provided, single submitter. Criteria: GeneDx Variant Classification (06012015). Collection method: clinical testing. Allele origin: germline. Affected: yes.
Comment: The R341W variant in the TUBG1 gene has not been reported previously as a pathogenic variant, nor as a benign variant, to our knowledge. The R341W variant was not observed in approximately 6500 individuals of European and African American ancestry in the NHLBI Exome Sequencing Project, indicating it is not a common benign variant in these populations. The R341W variant is a non-conservative amino acid substitution, which is likely to impact secondary protein structure as these residues differ in polarity, charge, size and/or other properties. This substitution occurs at a position that is conserved across species. In silico analysis predicts this variant is probably damaging to the protein structure/function. The R341W variant is a strong candidate for a pathogenic variant

Literature cited by the submitters: PubMed 31151415 (cited by 3billion).

NM_001070.5(TUBG1):c.1021C>T (p.Arg341Trp)

Gene: TUBG1 (tubulin gamma 1; plus strand). Cytogenetic location: 17q21.2.
Variant type: single nucleotide variant.
Coding change: c.1021C>T on transcript NM_001070.5 (MANE Select); coding-DNA position 1021, C replaced by T.
Protein change: p.Arg341Trp; replaces arginine 341 with tryptophan.
Molecular consequence: missense variant.
Genome position (GRCh38, 1-based): chr17:42,614,520, C>T. VCF-style: chr17-42614520-C-T. GRCh37 (hg19) VCF-style: chr17-40766538-C-T.
Other names: NM_001070.5(TUBG1):c.1021C>T; p.Arg341Trp; short protein forms R341W.
Identifiers: ClinVar variation 373145 (VCV000373145.7), dbSNP rs1057518249, ClinGen allele CA16042986.
Genomic context (GRCh38, chr17:42,614,520, plus strand): 5'-GAGAGGCCACCTCCACTGCTCCTATGCCCACCCCAGGTCCACAAGAGCTTGCAGAGGATC[C>T]GGGAACGCAAGTTGGCCAACTTCATCCCGTGGGGCCCCGCCAGCATCCAGGTGGCCCTGT-3'
Protein context (NP_001061.2, residues 331-351): TQVHKSLQRI[Arg341Trp]ERKLANFIPW